The following is an entry in ClinVar:

NM_000179.3(MSH6):c.4002-6T>G

Gene: MSH6 (mutS homolog 6; plus strand). Cytogenetic location: 2p16.3.
Variant type: single nucleotide variant.
Coding change: c.4002-6T>G on transcript NM_000179.3 (MANE Select); 6 bases into the intron before coding-DNA position 4002, T replaced by G.
Molecular consequence: intron variant.
Genome position (GRCh38, 1-based): chr2:47,806,773, T>G. VCF-style: chr2-47806773-T-G. GRCh37 (hg19) VCF-style: chr2-48033912-T-G.
Other names: c.3096-6T>G (NM_001281493.2, NM_001281494.2); c.3612-6T>G (NM_001281492.2).
Identifiers: ClinVar variation 1424937 (VCV001424937.6), dbSNP rs2104577757, ClinGen allele CA2573134806.
Genomic context (GRCh38, chr2:47,806,773, plus strand): 5'-AAGGGGAAGGGATGATGCACTATGAAAAAACAAAAAAACTTTTTTTTTTTTTTTTTTAAT[T>G]TTAAGGGAAGTTTGCCTGGCTAGTGAAAGGTCAACTGTAGATGCTGAAGCTGTCCATAAA-3'

ClinVar aggregate classification (germline): Uncertain significance (1 of 4 stars; one submission).

Conditions:
Hereditary nonpolyposis colorectal neoplasms. Identifiers: MedGen C0009405, MeSH D003123.

Submission:

Labcorp Genetics (formerly Invitae), Labcorp
Classification: Uncertain significance for Hereditary nonpolyposis colorectal neoplasms. Last evaluated: 2024-01-26. Review status: criteria provided, single submitter. Criteria: Invitae Variant Classification Sherloc (09022015). Collection method: clinical testing. Allele origin: germline.
Comment: This sequence change falls in intron 9 of the MSH6 gene. It does not directly change the encoded amino acid sequence of the MSH6 protein. This variant is not present in population databases (gnomAD no frequency). This variant has not been reported in the literature in individuals affected with MSH6-related conditions. ClinVar contains an entry for this variant (Variation ID: 1424937). Algorithms developed to predict the effect of sequence changes on RNA splicing suggest that this variant may disrupt the consensus splice site. In summary, the available evidence is currently insufficient to determine the role of this variant in disease. Therefore, it has been classified as a Variant of Uncertain Significance.